The following is an entry in ClinVar:

ClinVar aggregate classification (germline): Uncertain significance (1 of 4 stars; one submission).

Conditions:
Fanconi anemia (FA). Also called: Fanconi's anemia. Identifiers: Orphanet 84, MedGen C0015625, MeSH D005199, MONDO:0019391.

Allele frequency attached by ClinVar (database versions not stated): gnomAD exomes below 0.00001.

Submission:

Labcorp Genetics (formerly Invitae), Labcorp
Classification: Uncertain significance for Fanconi anemia. Last evaluated: 2021-04-28. Review status: criteria provided, single submitter. Criteria: Invitae Variant Classification Sherloc (09022015). Collection method: clinical testing. Allele origin: germline.
Comment: In summary, the available evidence is currently insufficient to determine the role of this variant in disease. Therefore, it has been classified as a Variant of Uncertain Significance. Algorithms developed to predict the effect of missense changes on protein structure and function output the following: SIFT: "Tolerated"; PolyPhen-2: "Benign"; Align-GVGD: "Class C0". The valine amino acid residue is found in multiple mammalian species, suggesting that this missense change does not adversely affect protein function. These predictions have not been confirmed by published functional studies and their clinical significance is uncertain. This variant has not been reported in the literature in individuals with FANCF-related conditions. This variant is not present in population databases (ExAC no frequency). This sequence change replaces leucine with valine at codon 162 of the FANCF protein (p.Leu162Val). The leucine residue is moderately conserved and there is a small physicochemical difference between leucine and valine.

NM_022725.4(FANCF):c.484C>G (p.Leu162Val)

Gene: FANCF (FA complementation group F; minus strand). Cytogenetic location: 11p14.3.
Variant type: single nucleotide variant.
Coding change: c.484C>G on transcript NM_022725.4 (MANE Select); coding-DNA position 484, C replaced by G.
Protein change: p.Leu162Val; replaces leucine 162 with valine.
Molecular consequence: missense variant.
Genome position (GRCh38, 1-based): chr11:22,625,327, G>C on the plus strand (C>G on the coding strand, the complement: FANCF is on the minus strand). VCF-style: chr11-22625327-G-C. GRCh37 (hg19) VCF-style: chr11-22646873-G-C.
Other names: short protein forms L162V.
Identifiers: ClinVar variation 1404896 (VCV001404896.8), dbSNP rs2133797641, ClinGen allele CA380058952.